The following is an entry in ClinVar:

ClinVar aggregate classification (germline): Pathogenic/Likely pathogenic. Review status: criteria provided, multiple submitters, no conflicts (2 of 4 stars). 2 submissions from 2 submitters: Pathogenic (1); Likely pathogenic (1). Last evaluated 2023-04-03.

Conditions:
Steel syndrome (STLS). Identifiers: Orphanet 438117, MedGen C3554594, MONDO:0014061, OMIM 615155.

Allele frequency attached by ClinVar (database versions not stated): gnomAD 0.00001; gnomAD exomes 0.00001.
gnomAD v4.1: 10 of 1,613,492 alleles (0.00062%); highest among the groups gnomAD compares: Non-Finnish European, 0.00085%; no homozygotes.

Submissions (2):

Labcorp Genetics (formerly Invitae), Labcorp
Classification: Pathogenic. Last evaluated: 2023-04-03. Review status: criteria provided, single submitter. Criteria: Invitae Variant Classification Sherloc (09022015). Collection method: clinical testing. Allele origin: germline.
Comment: This sequence change creates a premature translational stop signal (p.Gly1147*) in the COL27A1 gene. It is expected to result in an absent or disrupted protein product. Loss-of-function variants in COL27A1 are known to be pathogenic (PMID: 24986830, 28276056). This variant is present in population databases (no rsID available, gnomAD 0.002%). This variant has not been reported in the literature in individuals affected with COL27A1-related conditions. ClinVar contains an entry for this variant (Variation ID: 1031005). For these reasons, this variant has been classified as Pathogenic.

Baylor Genetics
Classification: Likely pathogenic for Steel syndrome. Last evaluated: 2020-11-30. Review status: criteria provided, single submitter. Criteria: ACMG Guidelines, 2015. Collection method: clinical testing. Allele origin: unknown. Affected: yes.
Comment: This variant was determined to be likely pathogenic according to ACMG Guidelines, 2015 [PMID:25741868].

Literature cited by the submitters: PubMed 24986830 (cited by Labcorp Genetics (formerly Invitae), Labcorp); PubMed 28276056 (cited by Labcorp Genetics (formerly Invitae), Labcorp).

NM_032888.4(COL27A1):c.3439G>T (p.Gly1147Ter)

Gene: COL27A1 (collagen type XXVII alpha 1 chain; plus strand). Cytogenetic location: 9q32.
Variant type: single nucleotide variant.
Coding change: c.3439G>T on transcript NM_032888.4 (MANE Select); coding-DNA position 3439, G replaced by T.
Protein change: p.Gly1147Ter; replaces glycine 1147 with a stop codon.
Molecular consequence: nonsense.
Genome position (GRCh38, 1-based): chr9:114,266,610, G>T. VCF-style: chr9-114266610-G-T. GRCh37 (hg19) VCF-style: chr9-117028890-G-T.
Other names: short protein forms G1147*.
Identifiers: ClinVar variation 1031005 (VCV001031005.6), dbSNP rs1328051341, ClinGen allele CA374597145.